The following is an entry in ClinVar:

NM_001081.4(CUBN):c.731G>A (p.Ser244Asn)

Gene: CUBN (cubilin; minus strand). Cytogenetic location: 10p13.
Variant type: single nucleotide variant.
Coding change: c.731G>A on transcript NM_001081.4 (MANE Select); coding-DNA position 731, G replaced by A.
Protein change: p.Ser244Asn; replaces serine 244 with asparagine.
Molecular consequence: missense variant.
Genome position (GRCh38, 1-based): chr10:17,114,179, C>T on the plus strand (G>A on the coding strand, the complement: CUBN is on the minus strand). VCF-style: chr10-17114179-C-T. GRCh37 (hg19) VCF-style: chr10-17156178-C-T.
Other names: short protein forms S244N.
Identifiers: ClinVar variation 1932080 (VCV001932080.5), dbSNP rs754072110, ClinGen allele CA5425514.
Genomic context (GRCh38, chr10:17,114,179, plus strand): 5'-CTGTCCAGCGTGCAGGCAGGGCTGTTGGGTGAAAACATCCACCCAGCATCACAGACGCAG[C>T]TGTACTTGGGCTGGCAGGATGACAACAGCGTGAATAAAGACAATCATGAAAATCAGCAAG-3'
Protein context (NP_001072.2, residues 234-254): MREQAGEPKY[Ser244Asn]CVCDAGWMFS

ClinVar aggregate classification (germline): Uncertain significance. Review status: criteria provided, multiple submitters, no conflicts (2 of 4 stars). 2 submissions from 2 submitters: Uncertain significance (2). Last evaluated 2024-06-17.

Conditions:
Inborn genetic diseases. Identifiers: MedGen C0950123, MeSH D030342.
Imerslund-Grasbeck syndrome. Also called: PERNICIOUS ANEMIA, JUVENILE, DUE TO SELECTIVE INTESTINAL MALABSORPTION OF VITAMIN B12, WITH PROTEINURIA; Megaloblastic anemia due to inborn errors of metabolism; Imerslund-Gräsbeck syndrome; ENTEROCYTE COBALAMIN MALABSORPTION; ENTEROCYTE INTRINSIC FACTOR RECEPTOR, DEFECT OF. Identifiers: Orphanet 35858, MedGen C4551825, MONDO:0009853.

Allele frequency attached by ClinVar (database versions not stated): ExAC 0.00002.
gnomAD v4.1: 1 of 1,613,810 alleles (0.000062%); highest among the groups gnomAD compares: Admixed American, 0.0017%; no homozygotes.

Submissions (2):

Ambry Genetics
Classification: Uncertain significance for Inborn genetic diseases. Last evaluated: 2024-06-17. Review status: criteria provided, single submitter. Criteria: Ambry Variant Classification Scheme 2023. Collection method: clinical testing. Allele origin: germline.

Labcorp Genetics (formerly Invitae), Labcorp
Classification: Uncertain significance for Imerslund-Grasbeck syndrome. Last evaluated: 2021-12-26. Review status: criteria provided, single submitter. Criteria: Invitae Variant Classification Sherloc (09022015). Collection method: clinical testing. Allele origin: germline.
Comment: This sequence change replaces serine, which is neutral and polar, with asparagine, which is neutral and polar, at codon 244 of the CUBN protein (p.Ser244Asn). The frequency data for this variant in the population databases is considered unreliable, as metrics indicate poor data quality at this position in the gnomAD database. This variant has not been reported in the literature in individuals affected with CUBN-related conditions. Algorithms developed to predict the effect of missense changes on protein structure and function output the following: SIFT: "Tolerated"; PolyPhen-2: "Benign"; Align-GVGD: "Class C0". The asparagine amino acid residue is found in multiple mammalian species, which suggests that this missense change does not adversely affect protein function. In summary, the available evidence is currently insufficient to determine the role of this variant in disease. Therefore, it has been classified as a Variant of Uncertain Significance.